The following is an entry in ClinVar:

ClinVar aggregate classification (germline): Uncertain significance. Review status: criteria provided, multiple submitters, no conflicts (2 of 4 stars). 4 submissions from 4 submitters: Uncertain significance (4). Last evaluated 2025-12-13.

Conditions:
Inborn genetic diseases. Identifiers: MedGen C0950123, MeSH D030342.
Familial focal epilepsy with variable foci (FPEVF). Identifiers: Orphanet 98820, MedGen C1858477, MONDO:0020310.
Epilepsy, familial focal, with variable foci 1 (FFEVF1). Also called: DEPDC5-Related Epilepsy. Identifiers: MedGen C4551983, MONDO:0024556, OMIM 604364.

Allele frequency attached by ClinVar (database versions not stated): TOPMed below 0.00001; gnomAD 0.00001; gnomAD exomes 0.00002.
gnomAD v4.1: 24 of 1,554,136 alleles (0.0015%); highest among the groups gnomAD compares: Admixed American, 0.0022%; no homozygotes.

Submissions (4):

Labcorp Genetics (formerly Invitae), Labcorp
Classification: Uncertain significance for Familial focal epilepsy with variable foci. Last evaluated: 2025-12-13. Review status: criteria provided, single submitter. Criteria: Invitae Variant Classification Sherloc (09022015). Collection method: clinical testing. Allele origin: germline.
Comment: This sequence change replaces serine, which is neutral and polar, with leucine, which is neutral and non-polar, at codon 241 of the DEPDC5 protein (p.Ser241Leu). This variant is present in population databases (no rsID available, gnomAD 0.0009%). This variant has not been reported in the literature in individuals affected with DEPDC5-related conditions. ClinVar contains an entry for this variant (Variation ID: 1304557). Experimental studies and prediction algorithms are not available or were not evaluated, and the functional significance of this variant is currently unknown. In summary, the available evidence is currently insufficient to determine the role of this variant in disease. Therefore, it has been classified as a Variant of Uncertain Significance.

Ambry Genetics
Classification: Uncertain significance for Inborn genetic diseases. Last evaluated: 2025-09-28. Review status: criteria provided, single submitter. Criteria: Ambry Variant Classification Scheme 2023. Collection method: clinical testing. Allele origin: germline.

Fulgent Genetics
Classification: Uncertain significance for Epilepsy, familial focal, with variable foci 1. Last evaluated: 2021-07-06. Review status: criteria provided, single submitter. Criteria: ACMG Guidelines, 2015. Collection method: clinical testing. Allele origin: unknown.

GeneDx
Classification: Uncertain significance. Last evaluated: 2019-01-17. Review status: criteria provided, single submitter. Criteria: GeneDx Variant Classification Process June 2021. Collection method: clinical testing. Allele origin: germline. Affected: yes.
Comment: In silico analysis, which includes protein predictors and evolutionary conservation, supports that this variant does not alter protein structure/function; Has not been previously published as pathogenic or benign to our knowledge

NM_001242896.3(DEPDC5):c.722C>T (p.Ser241Leu)

Gene: DEPDC5 (DEP domain containing 5, GATOR1 subcomplex subunit; plus strand). Cytogenetic location: 22q12.2.
Variant type: single nucleotide variant.
Coding change: c.722C>T on transcript NM_001242896.3 (MANE Select); coding-DNA position 722, C replaced by T.
Protein change: p.Ser241Leu; replaces serine 241 with leucine.
Molecular consequence: missense variant. On other transcripts: non-coding transcript variant (5).
Genome position (GRCh38, 1-based): chr22:31,792,772, C>T. VCF-style: chr22-31792772-C-T. GRCh37 (hg19) VCF-style: chr22-32188758-C-T.
Other names: c.722C>T, p.Ser241Leu (NM_001007188.4, NM_001136029.4, NM_001242897.2 and 7 more transcripts); c.638C>T, p.Ser213Leu (NM_001369901.1, NM_001369902.1); short protein forms S213L, S241L.
Identifiers: ClinVar variation 1304557 (VCV001304557.11), dbSNP rs1397187284, ClinGen allele CA411289047.
Genomic context (GRCh38, chr22:31,792,772, plus strand): 5'-CCTGAACTACATACTCCGTTTTCTCTATTTCAGATGAATTTCCTGAAATAAACCGAGCCT[C>T]AATTCGACAGGATCACAAGGGGAGATTCTATGAAGACTTTTACAAGTATGTTTGGGTGCT-3'
Protein context (NP_001229825.1, residues 231-251): VDEFPEINRA[Ser241Leu]IRQDHKGRFY